The following is an entry in ClinVar:

ClinVar aggregate classification (germline): Uncertain significance. Review status: criteria provided, multiple submitters, no conflicts (2 of 4 stars). 3 submissions from 3 submitters: Uncertain significance (3). Last evaluated 2026-07-06.

Conditions:
Hereditary pheochromocytoma and paraganglioma. Also called: Hereditary paragangliomas and pheochromocytomas; Hereditary Paraganglioma-Pheochromocytoma Syndromes; Hereditary pheochromocytoma-paraganglioma. Identifiers: Orphanet 29072, MedGen C4274332, MONDO:0017366.
Hereditary cancer-predisposing syndrome. Also called: Tumor predisposition; Hereditary Cancer Syndrome; Hereditary neoplastic syndrome; Neoplastic Syndromes, Hereditary. Identifiers: Orphanet 140162, MedGen C0027672, MeSH D009386, MONDO:0015356.

Submissions (3):

Ambry Genetics
Classification: Uncertain significance for Hereditary cancer-predisposing syndrome. Last evaluated: 2026-07-06. Review status: criteria provided, single submitter. Criteria: Ambry Variant Classification Scheme 2023. Collection method: clinical testing. Allele origin: germline.
Comment: The p.S62L variant (also known as c.185C>T), located in coding exon 1 of the TMEM127 gene, results from a C to T substitution at nucleotide position 185. The serine at codon 62 is replaced by leucine, an amino acid with dissimilar properties. This amino acid position is conserved. In addition, this alteration is predicted to be tolerated by in silico analysis. Based on the available evidence, the clinical significance of this variant remains unclear.

Labcorp Genetics (formerly Invitae), Labcorp
Classification: Uncertain significance for Hereditary pheochromocytoma and paraganglioma. Last evaluated: 2023-09-15. Review status: criteria provided, single submitter. Criteria: Invitae Variant Classification Sherloc (09022015). Collection method: clinical testing. Allele origin: germline.
Comment: This variant has not been reported in the literature in individuals affected with TMEM127-related conditions. ClinVar contains an entry for this variant (Variation ID: 1011228). An algorithm developed to predict the effect of missense changes on protein structure and function (PolyPhen-2) suggests that this variant is likely to be tolerated. In summary, the available evidence is currently insufficient to determine the role of this variant in disease. Therefore, it has been classified as a Variant of Uncertain Significance. This sequence change replaces serine, which is neutral and polar, with leucine, which is neutral and non-polar, at codon 62 of the TMEM127 protein (p.Ser62Leu). This variant is not present in population databases (gnomAD no frequency).

GeneDx
Classification: Uncertain significance. Last evaluated: 2023-08-09. Review status: criteria provided, single submitter. Criteria: GeneDx Variant Classification Process June 2021. Collection method: clinical testing. Allele origin: germline. Affected: yes.
Comment: Not observed at significant frequency in large population cohorts (gnomAD); In silico analysis supports that this missense variant has a deleterious effect on protein structure/function; Has not been previously published as pathogenic or benign to our knowledge

NM_017849.4(TMEM127):c.185C>T (p.Ser62Leu)

Gene: TMEM127 (transmembrane protein 127; minus strand). Cytogenetic location: 2q11.2.
Variant type: single nucleotide variant.
Coding change: c.185C>T on transcript NM_017849.4 (MANE Select); coding-DNA position 185, C replaced by T.
Protein change: p.Ser62Leu; replaces serine 62 with leucine.
Molecular consequence: missense variant.
Genome position (GRCh38, 1-based): chr2:96,265,197, G>A on the plus strand (C>T on the coding strand, the complement: TMEM127 is on the minus strand). VCF-style: chr2-96265197-G-A. GRCh37 (hg19) VCF-style: chr2-96930935-G-A.
Other names: c.185C>T (NM_017849.3); c.185C>T, p.Ser62Leu (NM_001193304.3); short protein forms S62L.
Identifiers: ClinVar variation 1011228 (VCV001011228.10), dbSNP rs1248364576, ClinGen allele CA347655941.